The following is an entry in ClinVar:

NM_017780.4(CHD7):c.3899C>A (p.Pro1300Gln)

Gene: CHD7 (chromodomain helicase DNA binding protein 7; plus strand). Cytogenetic location: 8q12.2.
Variant type: single nucleotide variant.
Coding change: c.3899C>A on transcript NM_017780.4 (MANE Select); coding-DNA position 3899, C replaced by A.
Protein change: p.Pro1300Gln; replaces proline 1300 with glutamine.
Molecular consequence: missense variant. On other transcripts: intron variant (1).
Genome position (GRCh38, 1-based): chr8:60,836,193, C>A. VCF-style: chr8-60836193-C-A. GRCh37 (hg19) VCF-style: chr8-61748752-C-A.
Other names: c.1717-26036C>A (NM_001316690.1); short protein forms P1300Q.
Identifiers: ClinVar variation 589357 (VCV000589357.17), dbSNP rs185150226, ClinGen allele CA4760042.
Genomic context (GRCh38, chr8:60,836,193, plus strand): 5'-TTCAGCTCCAGGCAATGATCCAGGCTGCTGGCAAGCTAGTGCTGATTGACAAGCTGCTGC[C>A]AAAACTGAAGGCTGGTGGCCACAGGGTGCTTATCTTTTCCCAGATGGTGCGCTGCTTGGA-3'
Protein context (NP_060250.2, residues 1290-1310): GKLVLIDKLL[Pro1300Gln]KLKAGGHRVL

ClinVar aggregate classification (germline): Conflicting classifications of pathogenicity. Review status: criteria provided, conflicting classifications (1 of 4 stars). 6 submissions from 6 submitters: Uncertain significance (3); Benign (1); Likely benign (2). Last evaluated 2026-05-26.

Conditions:
Inborn genetic diseases. Identifiers: MedGen C0950123, MeSH D030342.
CHD7-related disorder. Also called: CHD7-related condition.
CHARGE syndrome (CHARGE). Also called: Coloboma, heart anomaly, choanal atresia, retardation, genital and ear anomalies; CHARGE association; Hall-Hittner syndrome; Hittner Hirsch Kreh syndrome; CHARGE ASSOCIATION--COLOBOMA, HEART ANOMALY, CHOANAL ATRESIA, RETARDATION, GENITAL AND EAR ANOMALIES. Identifiers: Orphanet 138, MedGen C0265354, MONDO:0008965.
Hypogonadotropic hypogonadism 5 with or without anosmia (KAL5). Also called: HYPOGONADOTROPIC HYPOGONADISM 5 WITH ANOSMIA; HYPOGONADOTROPHIC HYPOGONADISM 5 WITHOUT ANOSMIA; CHD7-Related GnRH Deficiency (Kallmann Syndrome 5). Identifiers: Orphanet 478, MedGen C3552553, MONDO:0012880, OMIM 612370. Disease mechanism: loss of function.

Allele frequency attached by ClinVar (database versions not stated): gnomAD 0.00001 and 0.00002; gnomAD exomes 0.00001 and 0.00007; TOPMed 0.00004; ExAC 0.00006; 1000 Genomes Project 0.00020; 1000 Genomes Project 30x 0.00047.
gnomAD v4.1: 22 of 1,613,938 alleles (0.0014%); highest among the groups gnomAD compares: East Asian, 0.049%; no homozygotes.

Submissions (6):

PreventionGenetics, part of Exact Sciences
Classification: Likely benign for CHD7-related condition. Last evaluated: 2026-05-26. Review status: criteria provided, single submitter. Criteria: ACMG Guidelines, 2015. Collection method: clinical testing. Allele origin: germline.
Comment: This variant is classified as likely benign based on ACMG/AMP sequence variant interpretation guidelines (Richards et al. 2015 PMID: 25741868, with internal and published modifications).

Labcorp Genetics (formerly Invitae), Labcorp
Classification: Benign for CHARGE syndrome. Last evaluated: 2024-06-24. Review status: criteria provided, single submitter. Criteria: Invitae Variant Classification Sherloc (09022015). Collection method: clinical testing. Allele origin: germline.

Fulgent Genetics
Classification: Uncertain significance for CHD7-related CHARGE syndrome; Hypogonadotropic hypogonadism 5 with or without anosmia. Last evaluated: 2022-02-10. Review status: criteria provided, single submitter. Criteria: ACMG Guidelines, 2015. Collection method: clinical testing. Allele origin: unknown.

Blueprint Genetics
Classification: Likely benign. Last evaluated: 2021-08-11. Review status: criteria provided, single submitter. Criteria: ACMG Guidelines, 2015. Collection method: clinical testing. Allele origin: germline.

Laboratory for Molecular Medicine, Mass General Brigham Personalized Medicine
Classification: Uncertain significance. Last evaluated: 2018-02-15. Review status: criteria provided, single submitter. Criteria: LMM Criteria. Collection method: clinical testing. Allele origin: germline. Observed: 1 variant allele.
Comment: Variant classified as Uncertain Significance - Favor Benign. The p.Pro1300Gln va riant in CHD7 has not been previously reported in individuals with CHARGE syndro me, but has been identified in 0.09% (17/18856) of East Asian chromosomes by the Genome Aggregation Database (gnomAD; dbSNP rs 185150226). The allele frequency in gnomAD is higher than would be expected for a pathogenic CHD7 variant, given a prevalence of approximately 1/8500 for CHARGE syndrome. Computational predictio n tools and conservation analyses suggest that this variant may impact the prote in, though this information is not predictive enough to determine pathogenicity. In summary, while the clinical significance of the p.Pro1300Gln variant is unc ertain, the frequency data suggest that it is more likely to be benign. ACMG/AMP Criteria applied: BS1, PP3.

Ambry Genetics
Classification: Uncertain significance for Inborn genetic diseases. Last evaluated: 2016-08-26. Review status: criteria provided, single submitter. Criteria: Ambry Variant Classification Scheme 2023. Collection method: clinical testing. Allele origin: germline.
Comment: The p.P1300Q variant (also known as c.3899C>A), located in coding exon 15 of the CHD7 gene, results from a C to A substitution at nucleotide position 3899. The proline at codon 1300 is replaced by glutamine, an amino acid with similar properties. This variant was previously reported in the SNPDatabase as rs185150226. Based on data from the 1000 Genomes Project, the A allele has an overall frequency of approximately 0.1% (2/2098) total alleles studied. The highest observed frequency was 1.09% (2/184) Southern Han Chinese alleles. This amino acid position is highly conserved in available vertebrate species. In addition, the in silico prediction for this alteration is inconclusive. Since supporting evidence is limited at this time, the clinical significance of this alteration remains unclear.